The following is an entry in ClinVar:

ClinVar aggregate classification (germline): Benign (0 of 4 stars; one submission).

Conditions:
LRP1B-related disorder. Also called: LRP1B-related condition.

Allele frequency attached by ClinVar (database versions not stated): 1000 Genomes Project 30x 0.01437; 1000 Genomes Project 0.01577; TOPMed 0.01665; ESP Exome Variant Server 0.02184; gnomAD 0.02302; ExAC 0.02664.
gnomAD v4.1: 47,679 of 1,595,708 alleles (3%); highest among the groups gnomAD compares: South Asian, 3.4%; 928 homozygotes.

Submission:

PreventionGenetics, part of Exact Sciences
Classification: Benign for LRP1B-related condition. Last evaluated: 2019-04-10. Review status: no assertion criteria provided. Collection method: clinical testing. Allele origin: germline.
Comment: This variant is classified as benign based on ACMG/AMP sequence variant interpretation guidelines (Richards et al. 2015 PMID: 25741868, with internal and published modifications).

NM_018557.3(LRP1B):c.2380+9A>G

Gene: LRP1B (LDL receptor related protein 1B; minus strand). Cytogenetic location: 2q22.1.
Variant type: single nucleotide variant.
Coding change: c.2380+9A>G on transcript NM_018557.3 (MANE Select); 9 bases into the intron after coding-DNA position 2380, A replaced by G.
Molecular consequence: intron variant.
Genome position (GRCh38, 1-based): chr2:141,013,547, T>C on the plus strand (A>G on the coding strand, the complement: LRP1B is on the minus strand). VCF-style: chr2-141013547-T-C. GRCh37 (hg19) VCF-style: chr2-141771116-T-C.
Identifiers: ClinVar variation 3037315 (VCV003037315.2), dbSNP rs76310658, ClinGen allele CA1895790.